The following is an entry in ClinVar:

ClinVar aggregate classification (germline): Pathogenic (1 of 4 stars; one submission).

Allele frequency attached by ClinVar (database versions not stated): TOPMed below 0.00001; gnomAD exomes 0.00001.

Submission:

Labcorp Genetics (formerly Invitae), Labcorp
Classification: Pathogenic. Last evaluated: 2023-11-19. Review status: criteria provided, single submitter. Criteria: Invitae Variant Classification Sherloc (09022015). Collection method: clinical testing. Allele origin: germline.
Comment: This sequence change creates a premature translational stop signal (p.Asn93Lysfs*9) in the ILDR1 gene. It is expected to result in an absent or disrupted protein product. Loss-of-function variants in ILDR1 are known to be pathogenic (PMID: 21255762). This variant is present in population databases (no rsID available, gnomAD 0.002%). This variant has not been reported in the literature in individuals affected with ILDR1-related conditions. For these reasons, this variant has been classified as Pathogenic.

Literature cited by the submitters: PubMed 21255762.

NM_001199799.2(ILDR1):c.279del (p.Asn93fs)

Gene: ILDR1 (immunoglobulin like domain containing receptor 1; minus strand). Cytogenetic location: 3q13.33.
Variant type: Deletion.
Coding change: c.279del on transcript NM_001199799.2 (MANE Select); coding-DNA position 279, one base deleted (C; older notation c.279delC).
Protein change: p.Asn93fs; shifts the reading frame from asparagine 93.
Molecular consequence: frameshift variant.
Genome position (GRCh38, 1-based): chr3:122,005,344, G deleted on the plus strand (C on the coding strand, the reverse complement: ILDR1 is on the minus strand). VCF-style (leftmost placement, unchanged base first): chr3-122005343-CG-C. GRCh37 (hg19) VCF-style: chr3-121724190-CG-C.
Other names: c.279del, p.Asn93fs (NM_001199800.2, NM_175924.4); short protein forms N93fs.
Identifiers: ClinVar variation 3001747 (VCV003001747.3), dbSNP rs1261932284, ClinGen allele CA545638613.
Genomic context (GRCh38, chr3:122,005,343, plus strand): 5'-CCAGCACGGGCTCATTCTGCCCCCGCCGCTGGGCCACTATGCGAACTTCCCGCTGGTTGT[CG>C]TTGCAGTCATTGGATGGGTCCTGGCCCAGGGATAAAGCTGCCTGGTATGCTGAGGAGAGA-3'